The following is an entry in ClinVar:

NM_007294.4(BRCA1):c.1921dup (p.Ile641fs)

Gene: BRCA1 (BRCA1 DNA repair associated; minus strand). Cytogenetic location: 17q21.31.
Variant type: Duplication.
Coding change: c.1921dup on transcript NM_007294.4 (MANE Select); coding-DNA position 1921, one base duplicated (A; older notation c.1921dupA).
Protein change: p.Ile641fs; shifts the reading frame from isoleucine 641.
Molecular consequence: frameshift variant. On other transcripts: intron variant (137).
Genome position (GRCh38, 1-based): chr17:43,093,610, T duplicated on the plus strand (A on the coding strand, the reverse complement: BRCA1 is on the minus strand); the first of 3 consecutive T bases (chr17:43,093,610-43,093,612); duplicating any one gives the same sequence. VCF-style (leftmost placement, unchanged base first): chr17-43093609-A-AT. GRCh37 (hg19) VCF-style: chr17-41245626-A-AT.
Other names: 2040insA; c.1921dupA (NM_007294.3); c.1708dup, p.Ile570fs (NM_001407571.1, NM_001407853.1, NM_001407894.1 and 9 more transcripts); c.1921dup, p.Ile641fs (NM_001407581.1, NM_001407582.1, NM_001407583.1 and 30 more transcripts); c.1918dup, p.Ile640fs (NM_001407587.1, NM_001407590.1, NM_001407591.1 and 22 more transcripts); c.1912dup, p.Ile638fs (NM_001407646.1, NM_001407647.1); c.1798dup, p.Ile600fs (NM_001407648.1, NM_001407664.1, NM_001407665.1 and 19 more transcripts); c.1795dup, p.Ile599fs (NM_001407649.1, NM_001407670.1, NM_001407671.1 and 11 more transcripts); and 42 more; short protein forms I641fs, I594fs, I530fs, I573fs, I614fs, I615fs, I345fs, I473fs.
Identifiers: ClinVar variation 37434 (VCV000037434.20), dbSNP rs397507194, ClinGen allele CA001266.

ClinVar aggregate classification (germline): Pathogenic. Review status: reviewed by expert panel (3 of 4 stars). 8 submissions from 8 submitters: Pathogenic (1). 7 of the submissions do not count toward it. Last evaluated 2016-09-08.

Conditions:
Familial cancer of breast. Also called: Hereditary breast cancer; hereditary breast carcinoma; BREAST CANCER, FAMILIAL. Identifiers: Orphanet 227535, MedGen C0346153, MONDO:0016419, OMIM 114480. Disease mechanism: loss of function.
Breast-ovarian cancer, familial, susceptibility to, 1 (BROVCA1). Also called: OVARIAN CANCER, SUSCEPTIBILITY TO; BRCA1 Hereditary Breast and Ovarian Cancer. Identifiers: Orphanet 145, MedGen C2676676, MONDO:0011450, OMIM 604370. Disease mechanism: loss of function.
Fanconi anemia, complementation group S (FANCS). Identifiers: MedGen C4554406, MONDO:0054748, OMIM 617883.
Hereditary cancer-predisposing syndrome. Also called: Tumor predisposition; Neoplastic Syndromes, Hereditary; Hereditary Cancer Syndrome; Hereditary neoplastic syndrome. Identifiers: Orphanet 140162, MedGen C0027672, MeSH D009386, MONDO:0015356.
Hereditary breast ovarian cancer syndrome. Also called: Hereditary breast and ovarian cancer syndrome (HBOC); Hereditary breast and ovarian cancer syndrome; Hereditary breast and ovarian cancer; Hereditary breast and/or ovarian cancer syndrome; Breast and ovarian cancer; BRCA1- and BRCA2-Associated Hereditary Breast and Ovarian Cancer. Identifiers: Orphanet 145, MedGen C0677776, MeSH D061325, MONDO:0003582. Disease mechanism: loss of function.

Submissions (8):

Evidence-based Network for the Interpretation of Germline Mutant Alleles (ENIGMA)
Classification: Pathogenic for Breast-ovarian cancer, familial, susceptibility to, 1. Last evaluated: 2016-09-08. Review status: reviewed by expert panel. Criteria: ENIGMA BRCA1/2 Classification Criteria (2015). Collection method: curation. Allele origin: germline.
Comment: Variant allele predicted to encode a truncated non-functional protein.

Ambry Genetics
Classification: Pathogenic for Hereditary cancer-predisposing syndrome. Last evaluated: 2024-12-03. Review status: criteria provided, single submitter. Criteria: Ambry Variant Classification Scheme 2023. Collection method: clinical testing. Allele origin: germline. Not counted in ClinVar's aggregate classification.
Comment: The c.1921dupA pathogenic mutation, located in coding exon 9 of the BRCA1 gene, results from a duplication of A at nucleotide position 1921, causing a translational frameshift with a predicted alternate stop codon (p.I641Nfs*2). This mutation has been detected in breast and/or ovarian cancer patients (Kwong A et al. J Med Genet. 2016 Jan;53(1):15-23; LaDuca H et al. PLoS One. 2017 Feb 2;12(2):e0170843; Rebbeck TR et al. Hum Mutat. 2018 May;39(5):593-620). This variant is considered to be rare based on population cohorts in the Genome Aggregation Database (gnomAD). In addition to the clinical data presented in the literature, this alteration is expected to result in loss of function by premature protein truncation or nonsense-mediated mRNA decay. As such, this alteration is interpreted as a disease-causing mutation.

Labcorp Genetics (formerly Invitae), Labcorp
Classification: Pathogenic for Hereditary breast ovarian cancer syndrome. Last evaluated: 2024-07-23. Review status: criteria provided, single submitter. Criteria: Invitae Variant Classification Sherloc (09022015). Collection method: clinical testing. Allele origin: germline. Not counted in ClinVar's aggregate classification.
Comment: This sequence change creates a premature translational stop signal (p.Ile641Asnfs*2) in the BRCA1 gene. It is expected to result in an absent or disrupted protein product. Loss-of-function variants in BRCA1 are known to be pathogenic (PMID: 20104584). This variant is not present in population databases (gnomAD no frequency). This premature translational stop signal has been observed in individual(s) with high-risk of familial breast and/or ovarian cancer (PMID: 26187060). ClinVar contains an entry for this variant (Variation ID: 37434). For these reasons, this variant has been classified as Pathogenic.

Women's Health and Genetics/Laboratory Corporation of America, LabCorp
Classification: Pathogenic for Hereditary breast ovarian cancer syndrome. Last evaluated: 2023-07-24. Review status: criteria provided, single submitter. Criteria: LabCorp Variant Classification Summary - May 2015. Collection method: clinical testing. Allele origin: germline. Not counted in ClinVar's aggregate classification.
Comment: Variant summary: BRCA1 c.1921dupA (p.Ile641AsnfsX2) results in a premature termination codon, predicted to cause absence of the protein due to nonsense mediated decay, which is a commonly known mechanism for disease. The variant was absent in 251006 control chromosomes in gnomAD. c.1921dupA has been reported in the literature in individuals affected with Hereditary Breast And Ovarian Cancer Syndrome (example: Cheema_2020, Kwong_2015). These data indicate that the variant is very likely associated with disease. To our knowledge, no experimental evidence demonstrating an impact on protein function has been reported. The following publications have been ascertained in the context of this evaluation (PMID: 33083013, 26187060). Four submitters have cited clinical-significance assessments for this variant to ClinVar after 2014 (all Pathogenic). Based on the evidence outlined above, the variant was classified as pathogenic.

Department of Pathology and Laboratory Medicine, Sinai Health System
Classification: Pathogenic for Familial cancer of breast; Breast-ovarian cancer, familial, susceptibility to, 1; Fanconi anemia, complementation group S. Last evaluated: 2020-08-13. Review status: criteria provided, single submitter. Criteria: ACMG Guidelines, 2015. Collection method: clinical testing. Allele origin: germline. Affected: no. Not counted in ClinVar's aggregate classification.

Consortium of Investigators of Modifiers of BRCA1/2 (CIMBA), c/o University of Cambridge
Classification: Pathogenic for Breast-ovarian cancer, familial, susceptibility to, 1. Last evaluated: 2015-10-02. Review status: criteria provided, single submitter. Criteria: CIMBA Mutation Classification guidelines May 2016. Collection method: clinical testing. Allele origin: germline. Not counted in ClinVar's aggregate classification.

CENTOGENE GmbH and LLC - Guiding Precision Medicine
Classification: Pathogenic for Familial breast-ovarian cancer type 1. Review status: criteria provided, single submitter. Criteria: ACMG Guidelines, 2015. Collection method: clinical testing. Allele origin: germline. Affected: yes. Not counted in ClinVar's aggregate classification.

Sharing Clinical Reports Project (SCRP)
Classification: Pathogenic for Breast-ovarian cancer, familial 1. Last evaluated: 2010-04-15. Review status: no assertion criteria provided. Collection method: clinical testing. Allele origin: germline. Not counted in ClinVar's aggregate classification.

Literature cited by the submitters: PubMed 20104584 (cited by Labcorp Genetics (formerly Invitae), Labcorp); PubMed 26187060 (cited by Labcorp Genetics (formerly Invitae), Labcorp and Women's Health and Genetics/Laboratory Corporation of America, LabCorp); PubMed 33083013 (cited by Women's Health and Genetics/Laboratory Corporation of America, LabCorp).